The following is an entry in ClinVar:

NM_001291867.2(NHS):c.3108_3109delinsAA (p.Phe1036_Pro1037delinsLeuThr)

Gene: NHS (NHS actin remodeling regulator; plus strand). Cytogenetic location: Xp22.13.
Variant type: Indel.
Coding change: c.3108_3109delinsAA on transcript NM_001291867.2 (MANE Select); coding-DNA positions 3108 to 3109, CC replaced by AA.
Protein change: p.Phe1036_Pro1037delinsLeuThr.
Molecular consequence: missense variant.
Genome position (GRCh38, 1-based): chrX:17,727,214-17,727,215, CC replaced by AA. VCF-style: chrX-17727214-CC-AA. GRCh37 (hg19) VCF-style: chrX-17745334-CC-AA.
Other names: c.2577_2578delinsAA, p.Phe859_Pro860delinsLeuThr (NM_001136024.4); c.2514_2515delinsAA, p.Phe838_Pro839delinsLeuThr (NM_001291868.2); c.2769_2770delinsAA, p.Phe923_Pro924delinsLeuThr (NM_001440780.1); c.3045_3046delinsAA, p.Phe1015_Pro1016delinsLeuThr (NM_198270.4).
Identifiers: ClinVar variation 4812059 (VCV004812059.1).

ClinVar aggregate classification (germline): Uncertain significance (1 of 4 stars; one submission).

Conditions:
Nance-Horan syndrome (NHS). Identifiers: Orphanet 627, MedGen C0796085, MONDO:0010545, OMIM 302350.

Submission:

Labcorp Genetics (formerly Invitae), Labcorp
Classification: Uncertain significance for Nance-Horan syndrome. Last evaluated: 2025-12-13. Review status: criteria provided, single submitter. Criteria: Invitae Variant Classification Sherloc (09022015). Collection method: clinical testing. Allele origin: germline.
Comment: This variant, c.3045_3046delinsAA, is a complex sequence change that results in the deletion of 2 and insertion of 2 amino acid(s) in the NHS protein (p.Phe1015_Pro1016delinsLeuThr). Information on the frequency of this variant in the gnomAD database is not available, as this variant may be reported differently in the database. This variant has not been reported in the literature in individuals affected with NHS-related conditions. Experimental studies and prediction algorithms are not available or were not evaluated, and the functional significance of this variant is currently unknown. In summary, the available evidence is currently insufficient to determine the role of this variant in disease. Therefore, it has been classified as a Variant of Uncertain Significance.